The following is an entry in ClinVar:

ClinVar aggregate classification (germline): Pathogenic (1 of 4 stars; one submission).

Conditions:
Hereditary cancer-predisposing syndrome. Also called: Hereditary neoplastic syndrome; Neoplastic Syndromes, Hereditary; Tumor predisposition; Hereditary Cancer Syndrome. Identifiers: Orphanet 140162, MedGen C0027672, MeSH D009386, MONDO:0015356.

Submission:

Ambry Genetics
Classification: Pathogenic for Hereditary cancer-predisposing syndrome. Last evaluated: 2025-01-14. Review status: criteria provided, single submitter. Criteria: Ambry Variant Classification Scheme 2023. Collection method: clinical testing. Allele origin: germline.
Comment: The c.197dupA pathogenic mutation, located in coding exon 2 of the FH gene, results from a duplication of A at nucleotide position 197, causing a translational frameshift with a predicted alternate stop codon (p.Y67Vfs*14). This variant was reported in individual(s) with features consistent with hereditary leiomyomatosis and renal cell cancer in at least one individual (Ambry internal data). This variant is considered to be rare based on population cohorts in the Genome Aggregation Database (gnomAD). This alteration is expected to result in loss of function by premature protein truncation or nonsense-mediated mRNA decay. As such, this alteration is interpreted as a disease-causing mutation.

NM_000143.4(FH):c.197dup (p.Tyr67fs)

Gene: FH (fumarate hydratase; minus strand). Cytogenetic location: 1q43.
Variant type: Duplication.
Coding change: c.197dup on transcript NM_000143.4 (MANE Select); coding-DNA position 197, one base duplicated (A; older notation c.197dupA).
Protein change: p.Tyr67fs; shifts the reading frame from tyrosine 67.
Molecular consequence: frameshift variant.
Genome position (GRCh38, 1-based): chr1:241,517,252, T duplicated on the plus strand (A on the coding strand, the reverse complement: FH is on the minus strand); the first of 2 consecutive T bases (chr1:241,517,252-241,517,253); duplicating either gives the same sequence. VCF-style (leftmost placement, unchanged base first): chr1-241517251-C-CT. GRCh37 (hg19) VCF-style: chr1-241680551-C-CT.
Other names: c.197dupA (NM_000143.3); short protein forms Y67fs.
Identifiers: ClinVar variation 3850223 (VCV003850223.1).